The following is an entry in ClinVar:

NM_032242.4(PLXNA1):c.2467G>C (p.Asp823His)

Gene: PLXNA1 (plexin A1; plus strand). Cytogenetic location: 3q21.3.
Variant type: single nucleotide variant.
Coding change: c.2467G>C on transcript NM_032242.4 (MANE Select); coding-DNA position 2467, G replaced by C.
Protein change: p.Asp823His; replaces aspartic acid 823 with histidine.
Molecular consequence: missense variant.
Genome position (GRCh38, 1-based): chr3:127,014,238, G>C. VCF-style: chr3-127014238-G-C. GRCh37 (hg19) VCF-style: chr3-126733081-G-C.
Other names: short protein forms D823H.
Identifiers: ClinVar variation 3934753 (VCV003934753.2).

ClinVar aggregate classification (germline): Uncertain significance. Review status: criteria provided, multiple submitters, no conflicts (2 of 4 stars). 2 submissions from 2 submitters: Uncertain significance (2). Last evaluated 2026-08-24.

Conditions:
PLXNA1-related disorder. Also called: PLXNA1-related condition.

gnomAD v4.1: 107 of 1,604,998 alleles (0.0067%); highest among the groups gnomAD compares: East Asian, 0.23%; no homozygotes.

Submissions (2):

PreventionGenetics, part of Exact Sciences
Classification: Uncertain significance for PLXNA1-related condition. Last evaluated: 2026-08-24. Review status: criteria provided, single submitter. Criteria: ACMG Guidelines, 2015. Collection method: clinical testing. Allele origin: germline.
Comment: The PLXNA1 c.2467G>C variant is predicted to result in the amino acid substitution p.Asp823His. To our knowledge, this variant has not been reported in the literature. This variant is reported in 0.065% of alleles in individuals of East Asian descent in gnomAD, which may be too common to be a primary cause of disease. Although we suspect that this variant may be benign, at this time, the clinical significance of this variant is uncertain due to the absence of conclusive functional and genetic evidence.

Ambry Genetics
Classification: Uncertain significance. Last evaluated: 2025-05-21. Review status: criteria provided, single submitter. Criteria: Ambry Variant Classification Scheme 2023. Collection method: clinical testing. Allele origin: germline.